The following is an entry in ClinVar:

NM_001083926.2(ASRGL1):c.364G>A (p.Ala122Thr)

Gene: ASRGL1 (asparaginase and isoaspartyl peptidase 1; plus strand). Cytogenetic location: 11q12.3.
Variant type: single nucleotide variant.
Coding change: c.364G>A on transcript NM_001083926.2 (MANE Select); coding-DNA position 364, G replaced by A.
Protein change: p.Ala122Thr; replaces alanine 122 with threonine.
Molecular consequence: missense variant.
Genome position (GRCh38, 1-based): chr11:62,357,017, G>A. VCF-style: chr11-62357017-G-A. GRCh37 (hg19) VCF-style: chr11-62124489-G-A.
Other names: c.364G>A, p.Ala122Thr (NM_001441216.1, NM_001441217.1, NM_025080.4); short protein forms A122T.
Identifiers: ClinVar variation 4767707 (VCV004767707.1).

ClinVar aggregate classification (germline): Uncertain significance (1 of 4 stars; one submission).

gnomAD v4.1: 24 of 1,613,368 alleles (0.0015%); highest among the groups gnomAD compares: African/African-American, 0.0053%; no homozygotes.

Submission:

Labcorp Genetics (formerly Invitae), Labcorp
Classification: Uncertain significance. Last evaluated: 2025-10-09. Review status: criteria provided, single submitter. Criteria: Invitae Variant Classification Sherloc (09022015). Collection method: clinical testing. Allele origin: germline.
Comment: This sequence change replaces alanine, which is neutral and non-polar, with threonine, which is neutral and polar, at codon 122 of the ASRGL1 protein (p.Ala122Thr). This variant is present in population databases (rs777695027, gnomAD 0.008%). This variant has not been reported in the literature in individuals affected with ASRGL1-related conditions. An algorithm developed to predict the effect of missense changes on protein structure and function (PolyPhen-2) suggests that this variant is likely to be disruptive. In summary, the available evidence is currently insufficient to determine the role of this variant in disease. Therefore, it has been classified as a Variant of Uncertain Significance.